The following is an entry in ClinVar:

NM_006268.5(DPF2):c.637+284G>A

Gene: DPF2 (double PHD fingers 2; plus strand). Cytogenetic location: 11q13.1.
Variant type: single nucleotide variant.
Coding change: c.637+284G>A on transcript NM_006268.5 (MANE Select); 284 bases into the intron after coding-DNA position 637, G replaced by A.
Molecular consequence: intron variant.
Genome position (GRCh38, 1-based): chr11:65,344,353, G>A. VCF-style: chr11-65344353-G-A. GRCh37 (hg19) VCF-style: chr11-65111824-G-A.
Other names: c.638-227G>A (NM_001330308.2).
Identifiers: ClinVar variation 5041315 (VCV005041315.1).

ClinVar aggregate classification (germline): Likely benign (1 of 4 stars; one submission).

gnomAD v4.1: 7 of 611,964 alleles (0.0011%); highest among the groups gnomAD compares: Admixed American, 0.012%; no homozygotes.

Submission:

CeGaT Center for Human Genetics Tuebingen
Classification: Likely benign. Last evaluated: 2026-09-01. Review status: criteria provided, single submitter. Criteria: CeGaT Center For Human Genetics Tuebingen Variant Classification Criteria Version 2. Collection method: clinical testing. Allele origin: germline. Affected: yes. Observed: 1 variant allele.
Comment: DPF2: BP4, BP7